The following is an entry in ClinVar:

ClinVar aggregate classification (germline): Benign/Likely benign. Review status: criteria provided, multiple submitters, no conflicts (2 of 4 stars). 3 submissions from 3 submitters: Benign (1); Likely benign (1). 1 of the submissions does not count toward it. Last evaluated 2025-08-12.

Conditions:
KMT2D-related disorder. Also called: KMT2D-Related Disorders.
Kabuki syndrome. Also called: NIIKAWA-KUROKI SYNDROME; Kabuki make-up syndrome. Identifiers: Orphanet 2322, MedGen C0796004, MONDO:0016512.

Allele frequency attached by ClinVar (database versions not stated): ExAC 0.00026; 1000 Genomes Project 30x 0.00031; TOPMed 0.00003; gnomAD 0.00005 and 0.00006; gnomAD exomes 0.00016.
gnomAD v4.1: 343 of 1,594,708 alleles (0.022%); highest among the groups gnomAD compares: East Asian, 0.12%; 1 homozygote.

Submissions (3):

Labcorp Genetics (formerly Invitae), Labcorp
Classification: Benign for Kabuki syndrome. Last evaluated: 2025-08-12. Review status: criteria provided, single submitter. Criteria: Invitae Variant Classification Sherloc (09022015). Collection method: clinical testing. Allele origin: germline.

GeneDx
Classification: Likely benign. Last evaluated: 2021-04-29. Review status: criteria provided, single submitter. Criteria: GeneDx Variant Classification Process June 2021. Collection method: clinical testing. Allele origin: germline. Affected: yes.

PreventionGenetics, part of Exact Sciences
Classification: Likely benign for KMT2D-related condition. Last evaluated: 2020-02-27. Review status: no assertion criteria provided. Collection method: clinical testing. Allele origin: germline. Not counted in ClinVar's aggregate classification.
Comment: This variant is classified as likely benign based on ACMG/AMP sequence variant interpretation guidelines (Richards et al. 2015 PMID: 25741868, with internal and published modifications).

NM_003482.4(KMT2D):c.6396C>T (p.Pro2132=)

Gene: KMT2D (lysine methyltransferase 2D; minus strand). Cytogenetic location: 12q13.12.
Variant type: single nucleotide variant.
Coding change: c.6396C>T on transcript NM_003482.4 (MANE Select); coding-DNA position 6396, C replaced by T.
Protein change: p.Pro2132=; no amino-acid change (proline 2132 retained).
Molecular consequence: synonymous variant.
Genome position (GRCh38, 1-based): chr12:49,041,374, G>A on the plus strand (C>T on the coding strand, the complement: KMT2D is on the minus strand). VCF-style: chr12-49041374-G-A. GRCh37 (hg19) VCF-style: chr12-49435157-G-A.
Identifiers: ClinVar variation 768540 (VCV000768540.12), dbSNP rs746085488, ClinGen allele CA6547278.